The following is an entry in ClinVar:

ClinVar aggregate classification (germline): Uncertain significance (1 of 4 stars; one submission).

Submission:

GeneDx
Classification: Uncertain significance. Last evaluated: 2026-02-23. Review status: criteria provided, single submitter. Criteria: GeneDx Variant Classification Process June 2021. Collection method: clinical testing. Allele origin: germline.
Comment: Not observed at significant frequency in large population cohorts (gnomAD); In silico analysis supports that this missense variant has a deleterious effect on protein structure/function; Has not been previously published as pathogenic or benign to our knowledge

NM_015267.4(CUX2):c.2605C>T (p.Pro869Ser)

Gene: CUX2 (cut like homeobox 2; plus strand). Cytogenetic location: 12q24.12.
Variant type: single nucleotide variant.
Coding change: c.2605C>T on transcript NM_015267.4 (MANE Select); coding-DNA position 2605, C replaced by T.
Protein change: p.Pro869Ser; replaces proline 869 with serine.
Molecular consequence: missense variant.
Genome position (GRCh38, 1-based): chr12:111,320,614, C>T. VCF-style: chr12-111320614-C-T. GRCh37 (hg19) VCF-style: chr12-111758418-C-T.
Other names: c.2419C>T, p.Pro807Ser (NM_001370598.1); short protein forms P807S, P869S.
Identifiers: ClinVar variation 5010006 (VCV005010006.1).